The following is an entry in ClinVar:

ClinVar aggregate classification (germline): Uncertain significance (1 of 4 stars; one submission).

Conditions:
Neuropathy, hereditary sensory and autonomic, type 2A (HSAN2A). Also called: ACROOSTEOLYSIS, GIACCAI TYPE; ACROOSTEOLYSIS, NEUROGENIC; MORVAN DISEASE; NEUROPATHY, CONGENITAL SENSORY; NEUROPATHY, HEREDITARY SENSORY RADICULAR, AUTOSOMAL RECESSIVE; NEUROPATHY, HEREDITARY SENSORY, TYPE IIA. Identifiers: Orphanet 970, MedGen C2752089, MONDO:0024309, OMIM 201300.
Pseudohypoaldosteronism type 2C (PHA2C). Also called: Pseudohypoaldosteronism Type IIC. Identifiers: Orphanet 757, Orphanet 88940, MedGen C1840391, MONDO:0013778, OMIM 614492.

gnomAD v4.1: 1 of 1,614,162 alleles (0.000062%); highest among the groups gnomAD compares: Non-Finnish European, 0.000085%; no homozygotes.

Submission:

Labcorp Genetics (formerly Invitae), Labcorp
Classification: Uncertain significance for Neuropathy, hereditary sensory and autonomic, type 2A; Pseudohypoaldosteronism type 2C. Last evaluated: 2024-01-19. Review status: criteria provided, single submitter. Criteria: Invitae Variant Classification Sherloc (09022015). Collection method: clinical testing. Allele origin: germline.
Comment: This sequence change replaces arginine, which is basic and polar, with serine, which is neutral and polar, at codon 2197 of the WNK1 protein (p.Arg2197Ser). This variant is present in population databases (no rsID available, gnomAD 0.0009%). This variant has not been reported in the literature in individuals affected with WNK1-related conditions. Advanced modeling of protein sequence and biophysical properties (such as structural, functional, and spatial information, amino acid conservation, physicochemical variation, residue mobility, and thermodynamic stability) performed at Invitae indicates that this missense variant is not expected to disrupt WNK1 protein function with a negative predictive value of 95%. In summary, the available evidence is currently insufficient to determine the role of this variant in disease. Therefore, it has been classified as a Variant of Uncertain Significance.

NM_018979.4(WNK1):c.5833C>A (p.Arg1945Ser)

Gene: WNK1 (WNK lysine deficient protein kinase 1; plus strand). Cytogenetic location: 12p13.33.
Variant type: single nucleotide variant.
Coding change: c.5833C>A on transcript NM_018979.4 (MANE Select); coding-DNA position 5833, C replaced by A.
Protein change: p.Arg1945Ser; replaces arginine 1945 with serine.
Molecular consequence: missense variant.
Genome position (GRCh38, 1-based): chr12:896,320, C>A. VCF-style: chr12-896320-C-A. GRCh37 (hg19) VCF-style: chr12-1005486-C-A.
Other names: c.6613C>A, p.Arg2205Ser (NM_001184985.2); c.5089C>A, p.Arg1697Ser (NM_014823.3); c.6589C>A, p.Arg2197Ser (NM_213655.5); short protein forms R1697S, R1945S, R2197S, R2205S.
Identifiers: ClinVar variation 2931350 (VCV002931350.3), dbSNP rs117016551, ClinGen allele CA383335399.
Genomic context (GRCh38, chr12:896,320, plus strand): 5'-GCCCACAAAACTACTGCCTCAGAGGCAAAGTCAGACACTGGGCAGCCTACCAAGGTTGGA[C>A]GTTTTCAGGTGACAACTACAGCAAACAAAGTGGGTCGTTTCTCTGTATCAAAAACTGAGG-3'
Protein context (NP_061852.3, residues 1935-1955): SDTGQPTKVG[Arg1945Ser]FQVTTTANKV